The following is an entry in ClinVar:

NM_021870.3(FGG):c.75A>T (p.Val25=)

Gene: FGG (fibrinogen gamma chain; minus strand). Cytogenetic location: 4q32.1.
Variant type: single nucleotide variant.
Coding change: c.75A>T on transcript NM_021870.3 (MANE Select); coding-DNA position 75, A replaced by T.
Protein change: p.Val25=; no amino-acid change (valine 25 retained).
Molecular consequence: synonymous variant.
Genome position (GRCh38, 1-based): chr4:154,612,535, T>A on the plus strand (A>T on the coding strand, the complement: FGG is on the minus strand). VCF-style: chr4-154612535-T-A. GRCh37 (hg19) VCF-style: chr4-155533687-T-A.
Other names: p.Val25=; c.75A>T, p.Val25= (NM_000509.6).
Identifiers: ClinVar variation 3058771 (VCV003058771.3), dbSNP rs11551839, ClinGen allele CA3115767.
Genomic context (GRCh38, chr4:154,612,535, plus strand): 5'-TCTGTTTTATTTTCCAGCTTTCCATTTTAAACAACGTTTTGTGAAGAGCACACTTACTGC[T>A]ACACATGTTGAAGAGAGAAATAAAAGAGCATAGAAGTAGAGAATTAAATTCCGGGGGTGC-3'
Protein context (NP_068656.2, residues 15-35): YALLFLSSTC[Val25=]AYVATRDNCC

ClinVar aggregate classification (germline): Likely benign. Review status: criteria provided, single submitter (1 of 4 stars). 2 submissions from 2 submitters: Likely benign (1). 1 of the submissions does not count toward it. Last evaluated 2025-03-25.

Conditions:
FGG-related disorder. Also called: FGG-related condition.

Allele frequency attached by ClinVar (database versions not stated): gnomAD exomes 0.00001; ExAC 0.00002.
gnomAD v4.1: 10 of 1,614,056 alleles (0.00062%); highest among the groups gnomAD compares: South Asian, 0.0099%; no homozygotes.

Submissions (2):

Mayo Clinic Laboratories, Mayo Clinic
Classification: Likely benign. Last evaluated: 2025-03-25. Review status: criteria provided, single submitter. Criteria: ACMG Guidelines, 2015. Collection method: clinical testing. Allele origin: germline. Observed: 1 variant allele.
Comment: BP4, BP7

PreventionGenetics, part of Exact Sciences
Classification: Likely benign for FGG-related condition. Last evaluated: 2019-04-09. Review status: no assertion criteria provided. Collection method: clinical testing. Allele origin: germline. Not counted in ClinVar's aggregate classification.
Comment: This variant is classified as likely benign based on ACMG/AMP sequence variant interpretation guidelines (Richards et al. 2015 PMID: 25741868, with internal and published modifications).